The following is an entry in ClinVar:

NM_001099271.2(POC5):c.598C>T (p.His200Tyr)

Gene: POC5 (POC5 centriolar protein; minus strand). Cytogenetic location: 5q13.3.
Variant type: single nucleotide variant.
Coding change: c.598C>T on transcript NM_001099271.2 (MANE Select); coding-DNA position 598, C replaced by T.
Protein change: p.His200Tyr; replaces histidine 200 with tyrosine.
Molecular consequence: missense variant.
Genome position (GRCh38, 1-based): chr5:75,694,747, G>A on the plus strand (C>T on the coding strand, the complement: POC5 is on the minus strand). VCF-style: chr5-75694747-G-A. GRCh37 (hg19) VCF-style: chr5-74990572-G-A.
Other names: c.523C>T, p.His175Tyr (NM_152408.3); short protein forms H175Y, H200Y.
Identifiers: ClinVar variation 3626034 (VCV003626034.2).
Genomic context (GRCh38, chr5:75,694,747, plus strand): 5'-TTTTTTGCAGCTCCTTCAATTCATTGATCTGATTACACAGTTGTTTTAAATGTGCTGCAT[G>A]TTTTTCTTTCTCTTTTCTCATTTCCATTCGGTGCCAGTCAATAAAATTAAGTCTCCATTT-3'
Protein context (NP_001092741.1, residues 190-210): RMEMRKEKEK[His200Tyr]AAHLKQLCNQ

ClinVar aggregate classification (germline): Uncertain significance (1 of 4 stars; one submission).

Submission:

Labcorp Genetics (formerly Invitae), Labcorp
Classification: Uncertain significance. Last evaluated: 2024-08-20. Review status: criteria provided, single submitter. Criteria: Invitae Variant Classification Sherloc (09022015). Collection method: clinical testing. Allele origin: germline.
Comment: This sequence change replaces histidine, which is basic and polar, with tyrosine, which is neutral and polar, at codon 200 of the POC5 protein (p.His200Tyr). This variant is present in population databases (rs201679415, gnomAD 0.006%). This variant has not been reported in the literature in individuals affected with POC5-related conditions. An algorithm developed to predict the effect of missense changes on protein structure and function (PolyPhen-2) suggests that this variant is likely to be tolerated. In summary, the available evidence is currently insufficient to determine the role of this variant in disease. Therefore, it has been classified as a Variant of Uncertain Significance.